The following is an entry in ClinVar:

NM_000059.4(BRCA2):c.8881_8882del (p.Gly2961fs)

Gene: BRCA2 (BRCA2 DNA repair associated; plus strand). Cytogenetic location: 13q13.1.
Variant type: Deletion.
Coding change: c.8881_8882del on transcript NM_000059.4 (MANE Select); coding-DNA positions 8881 to 8882, 2 bases deleted (GG; older notation c.8881_8882delGG).
Protein change: p.Gly2961fs; shifts the reading frame from glycine 2961.
Molecular consequence: frameshift variant. On other transcripts: non-coding transcript variant (1).
Genome position (GRCh38, 1-based): chr13:32,379,443-32,379,444, GG deleted. VCF-style (leftmost placement, unchanged base first): chr13-32379442-AGG-A. GRCh37 (hg19) VCF-style: chr13-32953579-AGG-A.
Other names: c.8785_8786del, p.Gly2929fs (NM_001406719.1); c.8881_8882del, p.Gly2961fs (NM_001406720.1); c.3949_3950del, p.Gly1317fs (NM_001406721.1); c.2464_2465del, p.Gly822fs (NM_001406722.1); short protein forms G1317fs, G2929fs, G2961fs, G822fs.
Identifiers: ClinVar variation 2674505 (VCV002674505.1), dbSNP rs2548555180, ClinGen allele CA2695199710.
Genomic context (GRCh38, chr13:32,379,442, plus strand): 5'-ACAAGCTCAGATCCAGTTGGAAATTAGGAAGGCCATGGAATCTGCTGAACAAAAGGAACA[AGG>A]TTTATCAAGGGATGTCACAACCGTGTGGAAGTTGCGTATTGTAAGCTATTCAAAAAAAGA-3'

ClinVar aggregate classification (germline): Pathogenic (1 of 4 stars; one submission).

Conditions:
Breast-ovarian cancer, familial, susceptibility to, 2 (BROVCA2). Also called: BRCA2 Hereditary Breast and Ovarian Cancer. Identifiers: Orphanet 145, MedGen C2675520, MONDO:0012933, OMIM 612555. Disease mechanism: loss of function.

Submission:

Myriad Genetics, Inc.
Classification: Pathogenic for Breast-ovarian cancer, familial, susceptibility to, 2. Last evaluated: 2023-07-18. Review status: criteria provided, single submitter. Criteria: Myriad Autosomal Dominant, Autosomal Recessive and X-Linked Classification Criteria (2023). Collection method: clinical testing. Allele origin: unknown.
Comment: This variant is considered pathogenic. This variant creates a frameshift predicted to result in premature protein truncation.